The following is an entry in ClinVar:

ClinVar aggregate classification (germline): Uncertain significance (1 of 4 stars; one submission).

Conditions:
Usher syndrome type 1C. Also called: USHER SYNDROME, TYPE I, ACADIAN VARIETY. Identifiers: Orphanet 231169, Orphanet 886, MedGen C1848604, MONDO:0010171, OMIM 276904.

Submission:

Myriad Genetics, Inc.
Classification: Uncertain significance for Usher syndrome type 1C. Last evaluated: 2026-04-17. Review status: criteria provided, single submitter. Criteria: Myriad Autosomal Dominant, Autosomal Recessive and X-Linked Classification Criteria (2023). Collection method: clinical testing. Allele origin: unknown.
Comment: NM_005709.3(USH1C):c.1086-9_1086-5del5ins7 is an intronic variant classified as a variant of uncertain significance in the context of USH1C-related disorders. c.1086-9_1086-5del5ins7 has not been observed in cases with relevant disease. Relevant functional assessments of this variant are not available in the literature. c.1086-9_1086-5del5ins7 has not been observed in referenced population frequency databases. In summary, there is insufficient evidence to classify NM_005709.3(USH1C):c.1086-9_1086-5del5ins7 as pathogenic or benign. Please note: this variant was assessed in the context of healthy population screening.

NM_153676.4(USH1C):c.1086-9_1086-5delinsCTCTACA

Gene: USH1C (USH1 protein network component harmonin; minus strand). Cytogenetic location: 11p15.1.
Variant type: Indel.
Coding change: c.1086-9_1086-5delinsCTCTACA on transcript NM_153676.4 (MANE Select); 9 bases into the intron before coding-DNA position 1086 through 5 bases into the intron before coding-DNA position 1086, TCATT replaced by CTCTACA.
Molecular consequence: intron variant.
Genome position (GRCh38, 1-based): chr11:17,520,999-17,521,003, AATGA replaced by TGTAGAG on the plus strand (TCATT replaced by CTCTACA on the coding strand, the reverse complement: USH1C is on the minus strand). VCF-style: chr11-17520999-AATGA-TGTAGAG. GRCh37 (hg19) VCF-style: chr11-17542546-AATGA-TGTAGAG.
Other names: c.1029-9_1029-5delinsCTCTACA (NM_001297764.2); c.1086-9_1086-5delinsCTCTACA (NM_001440687.1, NM_001440681.1, NM_001440685.1 and 4 more transcripts); c.1062-9_1062-5delinsCTCTACA (NM_001440686.1); c.1119-9_1119-5delinsCTCTACA (NM_001440684.1, NM_001440679.1).
Identifiers: ClinVar variation 5004610 (VCV005004610.1).